The following is an entry in ClinVar:

NM_003923.3(FOXH1):c.1057G>A (p.Ala353Thr)

Gene: FOXH1 (forkhead box H1; minus strand). Cytogenetic location: 8q24.3.
Variant type: single nucleotide variant.
Coding change: c.1057G>A on transcript NM_003923.3 (MANE Select); coding-DNA position 1057, G replaced by A.
Protein change: p.Ala353Thr; replaces alanine 353 with threonine.
Molecular consequence: missense variant.
Genome position (GRCh38, 1-based): chr8:144,474,279, C>T on the plus strand (G>A on the coding strand, the complement: FOXH1 is on the minus strand). VCF-style: chr8-144474279-C-T. GRCh37 (hg19) VCF-style: chr8-145699662-C-T.
Other names: short protein forms A353T.
Identifiers: ClinVar variation 2770815 (VCV002770815.3), dbSNP rs770343068, ClinGen allele CA4945369.
Genomic context (GRCh38, chr8:144,474,279, plus strand): 5'-GGCCCCTGTCTTAAGAGCCTCACAGGCTGCACCAGGAGAGCAGCCAGCCTGGGCCAGGGG[C>T]CGCCAGGTCCCGAGGGTGGCTGACCCAAACGTCGTAGATGCTTTTGTTGGGTGGCACCCC-3'
Protein context (NP_003914.1, residues 343-363): VWVSHPRDLA[Ala353Thr]PGPGWLLSWC

ClinVar aggregate classification (germline): Uncertain significance (1 of 4 stars; one submission).

Conditions:
Holoprosencephaly sequence (HPE). Also called: Holoprosencephaly. Identifiers: Orphanet 2162, MedGen C0079541, MONDO:0016296, HP:0001360.

Allele frequency attached by ClinVar (database versions not stated): gnomAD 0.00001; gnomAD exomes 0.00001; ExAC 0.00003; TOPMed 0.00003.

Submission:

Labcorp Genetics (formerly Invitae), Labcorp
Classification: Uncertain significance for Holoprosencephaly sequence. Last evaluated: 2023-09-08. Review status: criteria provided, single submitter. Criteria: Invitae Variant Classification Sherloc (09022015). Collection method: clinical testing. Allele origin: germline.
Comment: In summary, the available evidence is currently insufficient to determine the role of this variant in disease. Therefore, it has been classified as a Variant of Uncertain Significance. Advanced modeling of protein sequence and biophysical properties (such as structural, functional, and spatial information, amino acid conservation, physicochemical variation, residue mobility, and thermodynamic stability) performed at Invitae indicates that this missense variant is not expected to disrupt FOXH1 protein function. This variant has not been reported in the literature in individuals affected with FOXH1-related conditions. This variant is present in population databases (rs770343068, gnomAD 0.007%). This sequence change replaces alanine, which is neutral and non-polar, with threonine, which is neutral and polar, at codon 353 of the FOXH1 protein (p.Ala353Thr).